The following is an entry in ClinVar:

NM_001330260.2(SCN8A):c.4725G>A (p.Ala1575=)

Gene: SCN8A (sodium voltage-gated channel alpha subunit 8; plus strand). Cytogenetic location: 12q13.13.
Variant type: single nucleotide variant.
Coding change: c.4725G>A on transcript NM_001330260.2 (MANE Select); coding-DNA position 4725, G replaced by A.
Protein change: p.Ala1575=; no amino-acid change (alanine 1575 retained).
Molecular consequence: synonymous variant.
Genome position (GRCh38, 1-based): chr12:51,794,571, G>A. VCF-style: chr12-51794571-G-A. GRCh37 (hg19) VCF-style: chr12-52188355-G-A.
Other names: c.4602G>A, p.Ala1534= (NM_001177984.3, NM_001369788.1); c.4725G>A, p.Ala1575= (NM_014191.4).
Identifiers: ClinVar variation 380314 (VCV000380314.16), dbSNP rs756326813, ClinGen allele CA6571851.

ClinVar aggregate classification (germline): Likely benign. Review status: criteria provided, multiple submitters, no conflicts (2 of 4 stars). 4 submissions from 4 submitters: Likely benign (4). Last evaluated 2026-06-01.

Conditions:
Early-infantile DEE. Also called: Ohtahara syndrome; Early infantile epileptic encephalopathy with suppression bursts; Early infantile epileptic encephalopathy. Identifiers: Orphanet 1934, MedGen C0393706, MONDO:0800491.

Allele frequency attached by ClinVar (database versions not stated): gnomAD 0.00003; ExAC 0.00004; gnomAD exomes 0.00004 and 0.00009; TOPMed 0.00004.
gnomAD v4.1: 145 of 1,613,778 alleles (0.009%); highest among the groups gnomAD compares: Non-Finnish European, 0.011%; no homozygotes.

Submissions (4):

CeGaT Center for Human Genetics Tuebingen
Classification: Likely benign. Last evaluated: 2026-06-01. Review status: criteria provided, single submitter. Criteria: CeGaT Center For Human Genetics Tuebingen Variant Classification Criteria Version 2. Collection method: clinical testing. Allele origin: germline. Affected: yes. Observed: 1 variant allele.
Comment: SCN8A: BP4, BP7

Labcorp Genetics (formerly Invitae), Labcorp
Classification: Likely benign for Early-infantile DEE. Last evaluated: 2025-09-19. Review status: criteria provided, single submitter. Criteria: Invitae Variant Classification Sherloc (09022015). Collection method: clinical testing. Allele origin: germline.

Blueprint Genetics
Classification: Likely benign. Last evaluated: 2024-08-27. Review status: criteria provided, single submitter. Criteria: ACMG Guidelines, 2015. Collection method: clinical testing. Allele origin: germline.

GeneDx
Classification: Likely benign. Last evaluated: 2021-06-07. Review status: criteria provided, single submitter. Criteria: GeneDx Variant Classification Process June 2021. Collection method: clinical testing. Allele origin: germline. Affected: yes.